The following is an entry in ClinVar:

NM_000275.3(OCA2):c.649G>A (p.Val217Met)

Gene: OCA2 (OCA2 melanosomal transmembrane protein; minus strand). Cytogenetic location: 15q13.1.
Variant type: single nucleotide variant.
Coding change: c.649G>A on transcript NM_000275.3 (MANE Select); coding-DNA position 649, G replaced by A.
Protein change: p.Val217Met; replaces valine 217 with methionine.
Molecular consequence: missense variant.
Genome position (GRCh38, 1-based): chr15:28,018,555, C>T on the plus strand (G>A on the coding strand, the complement: OCA2 is on the minus strand). VCF-style: chr15-28018555-C-T. GRCh37 (hg19) VCF-style: chr15-28263701-C-T.
Other names: c.649G>A, p.Val217Met (NM_001300984.2); c.649G>A (NM_000275.2); short protein forms V217M.
Identifiers: ClinVar variation 1460692 (VCV001460692.7), dbSNP rs773252077, ClinGen allele CA7439390.

ClinVar aggregate classification (germline): Uncertain significance. Review status: criteria provided, multiple submitters, no conflicts (2 of 4 stars). 2 submissions from 2 submitters: Uncertain significance (2). Last evaluated 2023-04-25.

Conditions:
Inborn genetic diseases. Identifiers: MedGen C0950123, MeSH D030342.

Allele frequency attached by ClinVar (database versions not stated): ExAC 0.00002; gnomAD exomes 0.00001; TOPMed 0.00001; gnomAD 0.00001.

Submissions (2):

Ambry Genetics
Classification: Uncertain significance for Inborn genetic diseases. Last evaluated: 2023-04-25. Review status: criteria provided, single submitter. Criteria: Ambry Variant Classification Scheme 2023. Collection method: clinical testing. Allele origin: germline.

Labcorp Genetics (formerly Invitae), Labcorp
Classification: Uncertain significance. Last evaluated: 2022-07-26. Review status: criteria provided, single submitter. Criteria: Invitae Variant Classification Sherloc (09022015). Collection method: clinical testing. Allele origin: germline.
Comment: This sequence change replaces valine, which is neutral and non-polar, with methionine, which is neutral and non-polar, at codon 217 of the OCA2 protein (p.Val217Met). This variant is present in population databases (rs773252077, gnomAD 0.007%). This variant has not been reported in the literature in individuals affected with OCA2-related conditions. ClinVar contains an entry for this variant (Variation ID: 1460692). Algorithms developed to predict the effect of missense changes on protein structure and function output the following: SIFT: "Tolerated"; PolyPhen-2: "Benign"; Align-GVGD: "Class C0". The methionine amino acid residue is found in multiple mammalian species, which suggests that this missense change does not adversely affect protein function. In summary, the available evidence is currently insufficient to determine the role of this variant in disease. Therefore, it has been classified as a Variant of Uncertain Significance.